The following is an entry in ClinVar:

ClinVar aggregate classification (germline): Benign. Review status: criteria provided, multiple submitters, no conflicts (2 of 4 stars). 2 submissions from 2 submitters: Benign (2). Last evaluated 2018-01-13.

Conditions:
D-2-hydroxyglutaric aciduria 1 (D2HGA1). Identifiers: Orphanet 79315, MedGen C3152055, MONDO:0024554, OMIM 600721.

Allele frequency attached by ClinVar (database versions not stated): 1000 Genomes Project 30x 0.00359; 1000 Genomes Project 0.00379; ESP Exome Variant Server 0.00542; gnomAD 0.00657 and 0.00666; gnomAD exomes 0.00720; TOPMed 0.00759; ExAC 0.00952.
gnomAD v4.1: 13,535 of 1,569,164 alleles (0.86%); highest among the groups gnomAD compares: Middle Eastern, 1%; 82 homozygotes.

Submissions (2):

Illumina Laboratory Services, Illumina
Classification: Benign for D-2-hydroxyglutaric aciduria 1. Last evaluated: 2018-01-13. Review status: criteria provided, single submitter. Criteria: ICSL Variant Classification Criteria 13 December 2019. Collection method: clinical testing. Allele origin: germline.
Comment: This variant was observed in the ICSL laboratory as part of a predisposition screen in an ostensibly healthy population. It had not been previously curated by ICSL or reported in the Human Gene Mutation Database (HGMD: prior to June 1st, 2018), and was therefore a candidate for classification through an automated scoring system. Utilizing variant allele frequency, disease prevalence and penetrance estimates, and inheritance mode, an automated score was calculated to assess if this variant is too frequent to cause the disease. Based on the score and internal cut-off values, a variant classified as benign is not then subjected to further curation. The score for this variant resulted in a classification of benign for this disease.

Breakthrough Genomics
Classification: Benign. Review status: criteria provided, single submitter. Criteria: ACMG Guidelines, 2015. Collection method: not provided. Allele origin: germline. Inheritance: Autosomal recessive inheritance. Affected: yes.

NM_152783.5(D2HGDH):c.*26C>T

Gene: D2HGDH (D-2-hydroxyglutarate dehydrogenase; plus strand). Cytogenetic location: 2q37.3.
Variant type: single nucleotide variant.
Coding change: c.*26C>T on transcript NM_152783.5 (MANE Select); 26 bases downstream of the stop codon, C replaced by T.
Molecular consequence: 3 prime UTR variant. On other transcripts: non-coding transcript variant (1).
Genome position (GRCh38, 1-based): chr2:241,767,995, C>T. VCF-style: chr2-241767995-C-T. GRCh37 (hg19) VCF-style: chr2-242707410-C-T.
Other names: c.*26C>T (NM_001287249.2, NM_001352824.2).
Identifiers: ClinVar variation 335326 (VCV000335326.6), dbSNP rs141211991, ClinGen allele CA2222266.
Genomic context (GRCh38, chr2:241,767,995, plus strand): 5'-TCAACCCCTACAAGACGCTGCCCAGCCAGGCCTGACGGCCACTCCTGCTGCTGCCAAGGC[C>T]CACTGGGGGTCGGCGGGTGGCTCTCGGGCGGGGGTGTTGCGGTGGCTCTGAGGGATGAGC-3'